The following is an entry in ClinVar:

NM_021008.4(DEAF1):c.1274C>T (p.Ala425Val)

Genes: DEAF1 (DEAF1 transcription factor; minus strand), LOC126861109 (BRD4-independent group 4 enhancer GRCh37_chr11:673917-675116; plus strand). Cytogenetic location: 11p15.5.
Variant type: single nucleotide variant.
Coding change: c.1274C>T on transcript NM_021008.4 (MANE Select); coding-DNA position 1274, C replaced by T.
Protein change: p.Ala425Val; replaces alanine 425 with valine.
Molecular consequence: missense variant.
Genome position (GRCh38, 1-based): chr11:674,765, G>A on the plus strand (C>T on the coding strand, the complement: DEAF1 is on the minus strand). VCF-style: chr11-674765-G-A. GRCh37 (hg19) VCF-style: chr11-674765-G-A.
Other names: c.1007C>T, p.Ala336Val (NM_001293634.2); c.548C>T, p.Ala183Val (NM_001367390.1); short protein forms A336V, A425V, A183V.
Identifiers: ClinVar variation 1440130 (VCV001440130.8), dbSNP rs148012724, ClinGen allele CA5786255.

ClinVar aggregate classification (germline): Uncertain significance (1 of 4 stars; one submission).

gnomAD v4.1: 5 of 1,612,490 alleles (0.00031%); highest among the groups gnomAD compares: South Asian, 0.0022%; no homozygotes.

Submission:

Labcorp Genetics (formerly Invitae), Labcorp
Classification: Uncertain significance. Last evaluated: 2023-05-31. Review status: criteria provided, single submitter. Criteria: Invitae Variant Classification Sherloc (09022015). Collection method: clinical testing. Allele origin: germline.
Comment: This variant has not been reported in the literature in individuals affected with DEAF1-related conditions. The frequency data for this variant in the population databases is considered unreliable, as metrics indicate poor data quality at this position in the gnomAD database. This sequence change replaces alanine, which is neutral and non-polar, with valine, which is neutral and non-polar, at codon 425 of the DEAF1 protein (p.Ala425Val). ClinVar contains an entry for this variant (Variation ID: 1440130). In summary, the available evidence is currently insufficient to determine the role of this variant in disease. Therefore, it has been classified as a Variant of Uncertain Significance. Advanced modeling of protein sequence and biophysical properties (such as structural, functional, and spatial information, amino acid conservation, physicochemical variation, residue mobility, and thermodynamic stability) performed at Invitae indicates that this missense variant is not expected to disrupt DEAF1 protein function.